The following is an entry in ClinVar:

NM_001409.4(MEGF6):c.2844G>A (p.Pro948=)

Gene: MEGF6 (multiple EGF like domains 6; minus strand). Cytogenetic location: 1p36.32.
Variant type: single nucleotide variant.
Coding change: c.2844G>A on transcript NM_001409.4 (MANE Select); coding-DNA position 2844, G replaced by A.
Protein change: p.Pro948=; no amino-acid change (proline 948 retained).
Molecular consequence: synonymous variant.
Genome position (GRCh38, 1-based): chr1:3,499,709, C>T on the plus strand (G>A on the coding strand, the complement: MEGF6 is on the minus strand). VCF-style: chr1-3499709-C-T. GRCh37 (hg19) VCF-style: chr1-3416273-C-T.
Other names: c.2529G>A, p.Pro843= (NM_001410718.1).
Identifiers: ClinVar variation 2638100 (VCV002638100.24), dbSNP rs140729991, ClinGen allele CA546580.

ClinVar aggregate classification (germline): Likely benign (1 of 4 stars; one submission).

Allele frequency attached by ClinVar (database versions not stated): 1000 Genomes Project 0.00200; 1000 Genomes Project 30x 0.00234; gnomAD 0.00374; TOPMed 0.00405; ESP Exome Variant Server 0.00406; ExAC 0.00734.
gnomAD v4.1: 7,777 of 1,604,216 alleles (0.48%); highest among the groups gnomAD compares: Non-Finnish European, 0.61%; 38 homozygotes.

Submission:

CeGaT Center for Human Genetics Tuebingen
Classification: Likely benign. Last evaluated: 2024-07-01. Review status: criteria provided, single submitter. Criteria: CeGaT Center For Human Genetics Tuebingen Variant Classification Criteria Version 2. Collection method: clinical testing. Allele origin: germline. Affected: yes. Observed: 2 variant alleles.
Comment: MEGF6: BP4, BP7, BS2